The following is an entry in ClinVar:

ClinVar aggregate classification (germline): Uncertain significance (1 of 4 stars; one submission).

Submission:

GeneDx
Classification: Uncertain significance. Last evaluated: 2022-09-08. Review status: criteria provided, single submitter. Criteria: GeneDx Variant Classification Process June 2021. Collection method: clinical testing. Allele origin: germline. Affected: yes.
Comment: Not observed at significant frequency in large population cohorts (gnomAD); In silico analysis supports that this missense variant has a deleterious effect on protein structure/function; Has not been previously published as pathogenic or benign to our knowledge

NM_006891.4(CRYGD):c.193G>A (p.Asp65Asn)

Genes: CRYGD (crystallin gamma D; minus strand), LOC100507443 (uncharacterized LOC100507443; plus strand). Cytogenetic location: 2q33.3.
Variant type: single nucleotide variant.
Coding change: c.193G>A on transcript NM_006891.4 (MANE Select); coding-DNA position 193, G replaced by A.
Protein change: p.Asp65Asn; replaces aspartic acid 65 with asparagine.
Molecular consequence: missense variant.
Genome position (GRCh38, 1-based): chr2:208,124,171, C>T on the plus strand (G>A on the coding strand, the complement: CRYGD is on the minus strand). VCF-style: chr2-208124171-C-T. GRCh37 (hg19) VCF-style: chr2-208988895-C-T.
Other names: short protein forms D65N.
Identifiers: ClinVar variation 2443411 (VCV002443411.1), dbSNP rs2469111149, ClinGen allele CA350092582.